The following is an entry in ClinVar:

ClinVar aggregate classification (germline): Uncertain significance (1 of 4 stars; one submission).

Conditions:
Postaxial polydactyly-anterior pituitary anomalies-facial dysmorphism syndrome. Also called: Culler-Jones syndrome. Identifiers: Orphanet 420584, MedGen C4014479, MONDO:0014369, OMIM 615849.
Holoprosencephaly 9 (HPE9). Also called: PITUITARY ANOMALIES WITH HOLOPROSENCEPHALY-LIKE FEATURES; HOLOPROSENCEPHALY WITH MICROPHTHALMIA AND FIRST BRANCHIAL ARCH ANOMALIES. Identifiers: Orphanet 2162, MedGen C1835819, MONDO:0012563, OMIM 610829.

Submission:

Labcorp Genetics (formerly Invitae), Labcorp
Classification: Uncertain significance for Postaxial polydactyly-anterior pituitary anomalies-facial dysmorphism syndrome; Holoprosencephaly 9. Last evaluated: 2025-08-10. Review status: criteria provided, single submitter. Criteria: Invitae Variant Classification Sherloc (09022015). Collection method: clinical testing. Allele origin: germline.
Comment: This sequence change affects codon 30 of the GLI2 mRNA. It is a 'silent' change, meaning that it does not change the encoded amino acid sequence of the GLI2 protein. This variant is not present in population databases (gnomAD no frequency). This variant has not been reported in the literature in individuals affected with GLI2-related conditions. Algorithms developed to predict the effect of sequence changes on RNA splicing suggest that this variant may disrupt the consensus splice site. In summary, the available evidence is currently insufficient to determine the role of this variant in disease. Therefore, it has been classified as a Variant of Uncertain Significance.

NM_001374353.1(GLI2):c.90A>G (p.Lys30=)

Gene: GLI2 (GLI family zinc finger 2; plus strand). Cytogenetic location: 2q14.2.
Variant type: single nucleotide variant.
Coding change: c.90A>G on transcript NM_001374353.1 (MANE Select); coding-DNA position 90, A replaced by G.
Protein change: p.Lys30=; no amino-acid change (lysine 30 retained).
Molecular consequence: synonymous variant. On other transcripts: 5 prime UTR variant (1).
Genome position (GRCh38, 1-based): chr2:120,797,410, A>G. VCF-style: chr2-120797410-A-G. GRCh37 (hg19) VCF-style: chr2-121554986-A-G.
Other names: c.90A>G, p.Lys30= (NM_001371271.1, NM_005270.5); c.-180A>G (NM_001374354.1).
Identifiers: ClinVar variation 4785832 (VCV004785832.1).